The following is an entry in ClinVar:

ClinVar aggregate classification (germline): Uncertain significance (1 of 4 stars; one submission).

Conditions:
Neurofibromatosis, type 1 (NF1). Also called: VON RECKLINGHAUSEN DISEASE; Peripheral type neurofibromatosis; Neurofibromatosis, type I; NEUROFIBROMATOSIS, TYPE I, SOMATIC. Identifiers: Orphanet 636, MedGen C0027831, MONDO:0018975, OMIM 162200. Disease mechanism: loss of function.

Submission:

Labcorp Genetics (formerly Invitae), Labcorp
Classification: Uncertain significance for Neurofibromatosis, type 1. Last evaluated: 2022-12-23. Review status: criteria provided, single submitter. Criteria: Invitae Variant Classification Sherloc (09022015). Collection method: clinical testing. Allele origin: germline.
Comment: This sequence change replaces alanine, which is neutral and non-polar, with serine, which is neutral and polar, at codon 2272 of the NF1 protein (p.Ala2272Ser). Information on the frequency of this variant in the gnomAD database is not available, as this variant may be reported differently in the database. This variant has not been reported in the literature in individuals affected with NF1-related conditions. Algorithms developed to predict the effect of missense changes on protein structure and function are either unavailable or do not agree on the potential impact of this missense change (SIFT: "Not Available"; PolyPhen-2: "Probably Damaging"; Align-GVGD: "Not Available"). In summary, the available evidence is currently insufficient to determine the role of this variant in disease. Therefore, it has been classified as a Variant of Uncertain Significance.

NM_001042492.3(NF1):c.6877_6878delinsAG (p.Ala2293Ser)

Gene: NF1 (neurofibromin 1; plus strand). Cytogenetic location: 17q11.2.
Variant type: Indel.
Coding change: c.6877_6878delinsAG on transcript NM_001042492.3 (MANE Select); coding-DNA positions 6877 to 6878, GC replaced by AG.
Protein change: p.Ala2293Ser; replaces alanine 2293 with serine.
Molecular consequence: missense variant.
Genome position (GRCh38, 1-based): chr17:31,338,761-31,338,762, GC replaced by AG. VCF-style: chr17-31338761-GC-AG. GRCh37 (hg19) VCF-style: chr17-29665779-GC-AG.
Other names: c.6814_6815delGCinsAG, p.Ala2272Ser (NM_000267.4); short protein forms A2272S, A2293S.
Identifiers: ClinVar variation 2823597 (VCV002823597.3), dbSNP rs2508762871, ClinGen allele CA2739267436.